The following is an entry in ClinVar:

ClinVar aggregate classification (germline): Uncertain significance (1 of 4 stars; one submission).

Conditions:
Mendelian susceptibility to mycobacterial diseases due to complete IL12RB1 deficiency. Also called: IL12RB1 DEFICIENCY; Immunodeficiency 30. Identifiers: Orphanet 319552, MedGen C4013949, MONDO:0013955, OMIM 614891.

Submission:

Labcorp Genetics (formerly Invitae), Labcorp
Classification: Uncertain significance for Mendelian susceptibility to mycobacterial diseases due to complete IL12RB1 deficiency. Last evaluated: 2025-12-27. Review status: criteria provided, single submitter. Criteria: Invitae Variant Classification Sherloc (09022015). Collection method: clinical testing. Allele origin: germline.
Comment: This sequence change replaces serine, which is neutral and polar, with asparagine, which is neutral and polar, at codon 538 of the IL12RB1 protein (p.Ser538Asn). This variant is not present in population databases (gnomAD no frequency). This variant has not been reported in the literature in individuals affected with IL12RB1-related conditions. Invitae Evidence Modeling of protein sequence and biophysical properties (such as structural, functional, and spatial information, amino acid conservation, physicochemical variation, residue mobility, and thermodynamic stability) has been performed for this missense variant. However, the output from this modeling did not meet the statistical confidence thresholds required to predict the impact of this variant on IL12RB1 protein function. In summary, the available evidence is currently insufficient to determine the role of this variant in disease. Therefore, it has been classified as a Variant of Uncertain Significance.

NM_005535.3(IL12RB1):c.1613G>A (p.Ser538Asn)

Gene: IL12RB1 (interleukin 12 receptor subunit beta 1; minus strand). Cytogenetic location: 19p13.11.
Variant type: single nucleotide variant.
Coding change: c.1613G>A on transcript NM_005535.3 (MANE Select); coding-DNA position 1613, G replaced by A.
Protein change: p.Ser538Asn; replaces serine 538 with asparagine.
Molecular consequence: missense variant.
Genome position (GRCh38, 1-based): chr19:18,063,881, C>T on the plus strand (G>A on the coding strand, the complement: IL12RB1 is on the minus strand). VCF-style: chr19-18063881-C-T. GRCh37 (hg19) VCF-style: chr19-18174691-C-T.
Other names: c.1613G>A, p.Ser538Asn (NM_001290023.2); c.1733G>A, p.Ser578Asn (NM_001290024.2); c.1634G>A, p.Ser545Asn (NM_001440424.1, NM_001440425.1); short protein forms S578N, S538N, S545N.
Identifiers: ClinVar variation 4775259 (VCV004775259.1).